The following is an entry in ClinVar:

NM_153460.4(IL17RC):c.105+19G>A

Gene: IL17RC (interleukin 17 receptor C; plus strand). Cytogenetic location: 3p25.3.
Variant type: single nucleotide variant.
Coding change: c.105+19G>A on transcript NM_153460.4 (MANE Select); 19 bases into the intron after coding-DNA position 105, G replaced by A.
Molecular consequence: intron variant. On other transcripts: missense variant (1).
Genome position (GRCh38, 1-based): chr3:9,917,439, G>A. VCF-style: chr3-9917439-G-A. GRCh37 (hg19) VCF-style: chr3-9959123-G-A.
Other names: c.124G>A, p.Gly42Arg (NM_153461.4); c.105+19G>A (NM_001203263.2, NM_001203264.2, NM_001367278.1 and 5 more transcripts); short protein forms G42R.
Identifiers: ClinVar variation 2966068 (VCV002966068.3), dbSNP rs1029808780, ClinGen allele CA70010079.

ClinVar aggregate classification (germline): Uncertain significance (1 of 4 stars; one submission).

Conditions:
Candidiasis, familial, 9 (CANDF9). Identifiers: Orphanet 1334, MedGen C4225324, MONDO:0014642, OMIM 616445.

Allele frequency attached by ClinVar (database versions not stated): gnomAD exomes below 0.00001; TOPMed 0.00001.
gnomAD v4.1: 1 of 1,614,190 alleles (0.000062%); highest among the groups gnomAD compares: African/African-American, 0.0013%; no homozygotes.

Submission:

Labcorp Genetics (formerly Invitae), Labcorp
Classification: Uncertain significance for Candidiasis, familial, 9. Last evaluated: 2025-04-28. Review status: criteria provided, single submitter. Criteria: Invitae Variant Classification Sherloc (09022015). Collection method: clinical testing. Allele origin: germline.
Comment: This sequence change replaces glycine, which is neutral and non-polar, with arginine, which is basic and polar, at codon 42 of the IL17RC protein (p.Gly42Arg). This variant is not present in population databases (gnomAD no frequency). This variant has not been reported in the literature in individuals affected with IL17RC-related conditions. ClinVar contains an entry for this variant (Variation ID: 2966068). An algorithm developed to predict the effect of missense changes on protein structure and function outputs the following: PolyPhen-2: "Probably Damaging". The arginine amino acid residue is found in multiple mammalian species, which suggests that this missense change does not adversely affect protein function. In summary, the available evidence is currently insufficient to determine the role of this variant in disease. Therefore, it has been classified as a Variant of Uncertain Significance.